The following is an entry in ClinVar:

NM_198510.3(ITIH6):c.1681C>T (p.Arg561Cys)

Gene: ITIH6 (inter-alpha-trypsin inhibitor heavy chain family member 6; minus strand). Cytogenetic location: Xp11.22.
Variant type: single nucleotide variant.
Coding change: c.1681C>T on transcript NM_198510.3 (MANE Select); coding-DNA position 1681, C replaced by T.
Protein change: p.Arg561Cys; replaces arginine 561 with cysteine.
Molecular consequence: missense variant.
Genome position (GRCh38, 1-based): chrX:54,758,393, G>A on the plus strand (C>T on the coding strand, the complement: ITIH6 is on the minus strand). VCF-style: chrX-54758393-G-A. GRCh37 (hg19) VCF-style: chrX-54784826-G-A.
Other names: short protein forms R561C.
Identifiers: ClinVar variation 3043574 (VCV003043574.2), dbSNP rs34004499, ClinGen allele CA10426241.

ClinVar aggregate classification (germline): Likely benign (0 of 4 stars; one submission).

Conditions:
ITIH6-related disorder. Also called: ITIH6-related condition.

Allele frequency attached by ClinVar (database versions not stated): gnomAD exomes 0.00017; ExAC 0.00073; 1000 Genomes Project 30x 0.00125; 1000 Genomes Project 0.00132; gnomAD 0.00192; TOPMed 0.00219; ESP Exome Variant Server 0.00265.
gnomAD v4.1: 416 of 1,209,547 alleles (0.034%); highest among the groups gnomAD compares: African/African-American, 0.63%; 2 homozygotes.

Submission:

PreventionGenetics, part of Exact Sciences
Classification: Likely benign for ITIH6-related condition. Last evaluated: 2023-07-30. Review status: no assertion criteria provided. Collection method: clinical testing. Allele origin: germline.
Comment: This variant is classified as likely benign based on ACMG/AMP sequence variant interpretation guidelines (Richards et al. 2015 PMID: 25741868, with internal and published modifications).